The following is an entry in ClinVar:

ClinVar aggregate classification (germline): Likely benign. Review status: criteria provided, multiple submitters, no conflicts (2 of 4 stars). 4 submissions from 4 submitters: Likely benign (3). 1 of the submissions does not count toward it. Last evaluated 2025-10-26.

Conditions:
TERT-related disorder. Also called: TERT-related condition; TERT-related disorders.
Dyskeratosis congenita, autosomal dominant 2. Identifiers: MedGen C3151443, MONDO:0013521, OMIM 613989.
Idiopathic Pulmonary Fibrosis. Also called: Idiopathic fibrosing alveolitis, chronic form; idiopathic fibrosing alveolitis. Identifiers: Orphanet 2032, MedGen C1800706, MeSH D054990, MONDO:0800504.
Dyskeratosis congenita. Identifiers: Orphanet 1775, MedGen C0265965, MONDO:0015780.
Acute myeloid leukemia (AML). Also called: Leukemia, acute myeloid, somatic; Leukemia, acute myelogenous, somatic; Acute myeloid leukemia, adult; AML adult; Acute non-lymphocytic leukemia; Acute granulocytic leukemia. Identifiers: Orphanet 519, MedGen C0023467, MeSH D015470, MONDO:0018874, OMIM 601626, HP:0004808. Disease mechanism: Constitutively activated FLT3.

Allele frequency attached by ClinVar (database versions not stated): gnomAD exomes 0.00001 and 0.00003; gnomAD 0.00003; TOPMed 0.00003; ExAC 0.00004.
gnomAD v4.1: 27 of 1,614,006 alleles (0.0017%); highest among the groups gnomAD compares: Admixed American, 0.013%; no homozygotes.

Submissions (4):

Labcorp Genetics (formerly Invitae), Labcorp
Classification: Likely benign for Dyskeratosis congenita, autosomal dominant 2; Idiopathic Pulmonary Fibrosis. Last evaluated: 2025-10-26. Review status: criteria provided, single submitter. Criteria: Invitae Variant Classification Sherloc (09022015). Collection method: clinical testing. Allele origin: germline.

KCCC/NGS Laboratory, Kuwait Cancer Control Center
Classification: Likely benign for Acute myeloid leukemia. Last evaluated: 2023-07-07. Review status: criteria provided, single submitter. Criteria: ACMG Guidelines, 2015. Collection method: clinical testing. Allele origin: germline. Affected: yes.

Ambry Genetics
Classification: Likely benign for Dyskeratosis congenita. Last evaluated: 2022-09-10. Review status: criteria provided, single submitter. Criteria: Ambry Variant Classification Scheme 2023. Collection method: clinical testing. Allele origin: germline.

PreventionGenetics, part of Exact Sciences
Classification: Likely benign for TERT-related condition. Last evaluated: 2022-05-10. Review status: no assertion criteria provided. Collection method: clinical testing. Allele origin: germline. Not counted in ClinVar's aggregate classification.
Comment: This variant is classified as likely benign based on ACMG/AMP sequence variant interpretation guidelines (Richards et al. 2015 PMID: 25741868, with internal and published modifications).

NM_198253.3(TERT):c.2262C>T (p.His754=)

Gene: TERT (telomerase reverse transcriptase; minus strand). Cytogenetic location: 5p15.33.
Variant type: single nucleotide variant.
Coding change: c.2262C>T on transcript NM_198253.3 (MANE Select); coding-DNA position 2262, C replaced by T.
Protein change: p.His754=; no amino-acid change (histidine 754 retained).
Molecular consequence: synonymous variant. On other transcripts: non-coding transcript variant (2).
Genome position (GRCh38, 1-based): chr5:1,278,665, G>A on the plus strand (C>T on the coding strand, the complement: TERT is on the minus strand). VCF-style: chr5-1278665-G-A. GRCh37 (hg19) VCF-style: chr5-1278780-G-A.
Other names: c.2262C>T, p.His754= (NM_001193376.3).
Identifiers: ClinVar variation 416318 (VCV000416318.16), dbSNP rs778622091, ClinGen allele CA3184616.